The following is an entry in ClinVar:

ClinVar aggregate classification (germline): Benign. Review status: criteria provided, single submitter (1 of 4 stars). 2 submissions from 2 submitters: Benign (1). 1 of the submissions does not count toward it. Last evaluated 2025-07-30.

Conditions:
KMT2D-related disorder. Also called: KMT2D-Related Disorders.
Kabuki syndrome. Also called: NIIKAWA-KUROKI SYNDROME; Kabuki make-up syndrome. Identifiers: Orphanet 2322, MedGen C0796004, MONDO:0016512.

Allele frequency attached by ClinVar (database versions not stated): ExAC 0.00001; gnomAD exomes 0.00001; gnomAD 0.00003; TOPMed 0.00008.
gnomAD v4.1: 19 of 1,613,810 alleles (0.0012%); highest among the groups gnomAD compares: Admixed American, 0.012%; no homozygotes.

Submissions (2):

Labcorp Genetics (formerly Invitae), Labcorp
Classification: Benign for Kabuki syndrome. Last evaluated: 2025-07-30. Review status: criteria provided, single submitter. Criteria: Invitae Variant Classification Sherloc (09022015). Collection method: clinical testing. Allele origin: germline.

PreventionGenetics, part of Exact Sciences
Classification: Likely benign for KMT2D-related condition. Last evaluated: 2023-07-25. Review status: no assertion criteria provided. Collection method: clinical testing. Allele origin: germline. Not counted in ClinVar's aggregate classification.
Comment: This variant is classified as likely benign based on ACMG/AMP sequence variant interpretation guidelines (Richards et al. 2015 PMID: 25741868, with internal and published modifications).

NM_003482.4(KMT2D):c.14394C>T (p.Gly4798=)

Gene: KMT2D (lysine methyltransferase 2D; minus strand). Cytogenetic location: 12q13.12.
Variant type: single nucleotide variant.
Coding change: c.14394C>T on transcript NM_003482.4 (MANE Select); coding-DNA position 14394, C replaced by T.
Protein change: p.Gly4798=; no amino-acid change (glycine 4798 retained).
Molecular consequence: synonymous variant.
Genome position (GRCh38, 1-based): chr12:49,028,130, G>A on the plus strand (C>T on the coding strand, the complement: KMT2D is on the minus strand). VCF-style: chr12-49028130-G-A. GRCh37 (hg19) VCF-style: chr12-49421913-G-A.
Other names: c.14394C>T (NM_003482.3).
Identifiers: ClinVar variation 1444759 (VCV001444759.10), dbSNP rs761860093, ClinGen allele CA6545751.
Genomic context (GRCh38, chr12:49,028,130, plus strand): 5'-CAGCACCTCATAGGAGTTGGGGATCTTCATGCTCAGCAGCTCCGCCACTGCCACCATCAC[G>A]CCATTCAGGTTCTGCCAGGGCCAGGGAAGGGATGGAAGAAACATATCAGCCAAGTGTCTG-3'
Protein context (NP_003473.3, residues 4788-4808): VSAAAAKNLN[Gly4798=]VMVAVAELLS